The following is an entry in ClinVar:

NM_000760.4(CSF3R):c.1071+5C>T

Gene: CSF3R (colony stimulating factor 3 receptor; minus strand). Cytogenetic location: 1p34.3.
Variant type: single nucleotide variant.
Coding change: c.1071+5C>T on transcript NM_000760.4 (MANE Select); 5 bases into the intron after coding-DNA position 1071, C replaced by T.
Molecular consequence: intron variant.
Genome position (GRCh38, 1-based): chr1:36,472,061, G>A on the plus strand (C>T on the coding strand, the complement: CSF3R is on the minus strand). VCF-style: chr1-36472061-G-A. GRCh37 (hg19) VCF-style: chr1-36937662-G-A.
Other names: c.1071+5C>T (NM_156039.3, NM_172313.3).
Identifiers: ClinVar variation 4767484 (VCV004767484.1).

ClinVar aggregate classification (germline): Uncertain significance (1 of 4 stars; one submission).

Conditions:
Autosomal recessive severe congenital neutropenia due to CSF3R deficiency. Also called: Neutropenia, severe congenital, 7, autosomal recessive. Identifiers: Orphanet 420702, MedGen C4310764, MONDO:0014865, OMIM 617014.

gnomAD v4.1: 2 of 1,613,186 alleles (0.00012%); highest among the groups gnomAD compares: Middle Eastern, 0.033%; no homozygotes.

Submission:

Labcorp Genetics (formerly Invitae), Labcorp
Classification: Uncertain significance for Autosomal recessive severe congenital neutropenia due to CSF3R deficiency. Last evaluated: 2025-06-01. Review status: criteria provided, single submitter. Criteria: Invitae Variant Classification Sherloc (09022015). Collection method: clinical testing. Allele origin: germline.
Comment: This sequence change falls in intron 9 of the CSF3R gene. It does not directly change the encoded amino acid sequence of the CSF3R protein. It affects a nucleotide within the consensus splice site. This variant is not present in population databases (gnomAD no frequency). This variant has not been reported in the literature in individuals affected with CSF3R-related conditions. Variants that disrupt the consensus splice site are a relatively common cause of aberrant splicing (PMID: 17576681, 9536098). Algorithms developed to predict the effect of sequence changes on RNA splicing suggest that this variant is not likely to affect RNA splicing. In summary, the available evidence is currently insufficient to determine the role of this variant in disease. Therefore, it has been classified as a Variant of Uncertain Significance.

Literature cited by the submitters: PubMed 17576681; PubMed 9536098.